The following is an entry in ClinVar:

ClinVar aggregate classification (germline): Uncertain significance. Review status: criteria provided, multiple submitters, no conflicts (2 of 4 stars). 3 submissions from 3 submitters: Uncertain significance (3). Last evaluated 2025-07-02.

Conditions:
Congenital stationary night blindness 1E. Also called: Night blindness, congenital stationary (complete), 1E, autosomal recessive. Identifiers: Orphanet 215, MedGen C3281215, MONDO:0013807, OMIM 614565.
Inborn genetic diseases. Identifiers: MedGen C0950123, MeSH D030342.

Allele frequency attached by ClinVar (database versions not stated): ExAC 0.00002.

Submissions (3):

Ambry Genetics
Classification: Uncertain significance for Inborn genetic diseases. Last evaluated: 2025-07-02. Review status: criteria provided, single submitter. Criteria: Ambry Variant Classification Scheme 2023. Collection method: clinical testing. Allele origin: germline.

Labcorp Genetics (formerly Invitae), Labcorp
Classification: Uncertain significance. Last evaluated: 2022-08-06. Review status: criteria provided, single submitter. Criteria: Invitae Variant Classification Sherloc (09022015). Collection method: clinical testing. Allele origin: germline.
Comment: This sequence change replaces valine, which is neutral and non-polar, with glycine, which is neutral and non-polar, at codon 1358 of the GPR179 protein (p.Val1358Gly). This variant is present in population databases (rs752363198, gnomAD 0.003%). This variant has not been reported in the literature in individuals affected with GPR179-related conditions. ClinVar contains an entry for this variant (Variation ID: 888737). Algorithms developed to predict the effect of missense changes on protein structure and function are either unavailable or do not agree on the potential impact of this missense change (SIFT: "Deleterious"; PolyPhen-2: "Benign"; Align-GVGD: "Class C0"). In summary, the available evidence is currently insufficient to determine the role of this variant in disease. Therefore, it has been classified as a Variant of Uncertain Significance.

Illumina Laboratory Services, Illumina
Classification: Uncertain significance for Congenital stationary night blindness 1E. Last evaluated: 2018-01-17. Review status: criteria provided, single submitter. Criteria: ICSL Variant Classification Criteria 13 December 2019. Collection method: clinical testing. Allele origin: germline.

NM_001004334.4(GPR179):c.4073T>G (p.Val1358Gly)

Gene: GPR179 (G protein-coupled receptor 179; minus strand). Cytogenetic location: 17q12.
Variant type: single nucleotide variant.
Coding change: c.4073T>G on transcript NM_001004334.4 (MANE Select); coding-DNA position 4073, T replaced by G.
Protein change: p.Val1358Gly; replaces valine 1358 with glycine.
Molecular consequence: missense variant.
Genome position (GRCh38, 1-based): chr17:38,329,496, A>C on the plus strand (T>G on the coding strand, the complement: GPR179 is on the minus strand). VCF-style: chr17-38329496-A-C. GRCh37 (hg19) VCF-style: chr17-36485379-A-C.
Other names: short protein forms V1358G.
Identifiers: ClinVar variation 888737 (VCV000888737.12), dbSNP rs752363198, ClinGen allele CA290104442.